The following is an entry in ClinVar:

NM_021930.6(RINT1):c.2237T>C (p.Leu746Pro)

Genes: EFCAB10 (EF-hand calcium binding domain 10; minus strand), RINT1 (RAD50 interactor 1; plus strand). Cytogenetic location: 7q22.3.
Variant type: single nucleotide variant.
Coding change: c.2237T>C on transcript NM_021930.6 (MANE Select); coding-DNA position 2237, T replaced by C.
Protein change: p.Leu746Pro; replaces leucine 746 with proline.
Molecular consequence: missense variant. On other transcripts: 3 prime UTR variant (2), non-coding transcript variant (1), intron variant (3).
Genome position (GRCh38, 1-based): chr7:105,567,169, T>C. VCF-style: chr7-105567169-T-C. GRCh37 (hg19) VCF-style: chr7-105207616-T-C.
Other names: c.*285A>G (NM_001355527.2, NM_001355529.2); c.2003T>C, p.Leu668Pro (NM_001346599.2); c.1214T>C, p.Leu405Pro (NM_001346600.2, NM_001346603.2); c.1313T>C, p.Leu438Pro (NM_001346601.2); c.360-1722A>G (NM_001355531.2); c.383+298A>G (NM_001355526.2, NM_001355530.2); c.2237T>C (NM_021930.4); short protein forms L405P, L438P, L668P, L746P.
Identifiers: ClinVar variation 1056676 (VCV001056676.10), dbSNP rs2133496226, ClinGen allele CA368815457.
Genomic context (GRCh38, chr7:105,567,169, plus strand): 5'-CCCTAAACAGTATAAAAGAAGCCTGTATTGTTTTGAATTTGAACGTCGGTTCTGCACTAC[T>C]GCTGAAAGATGTACTGCAGTCAGCTTCAGGGCAGCTTCCTGCCACAGCAGCATTAAATGA-3'
Protein context (NP_068749.3, residues 736-756): VLNLNVGSAL[Leu746Pro]LKDVLQSASG

ClinVar aggregate classification (germline): Uncertain significance. Review status: criteria provided, multiple submitters, no conflicts (2 of 4 stars). 2 submissions from 2 submitters: Uncertain significance (2). Last evaluated 2026-09-13.

Submissions (2):

Ambry Genetics
Classification: Uncertain significance. Last evaluated: 2026-09-13. Review status: criteria provided, single submitter. Criteria: Ambry Variant Classification Scheme 2023. Collection method: clinical testing. Allele origin: germline.
Comment: The p.L746P variant (also known as c.2237T>C), located in coding exon 15 of the RINT1 gene, results from a T to C substitution at nucleotide position 2237. The leucine at codon 746 is replaced by proline, an amino acid with similar properties. This amino acid position is conserved. In addition, this alteration is predicted to be deleterious by in silico analysis. Based on the available evidence, the clinical significance of this variant remains unclear.

Labcorp Genetics (formerly Invitae), Labcorp
Classification: Uncertain significance. Last evaluated: 2017-10-27. Review status: criteria provided, single submitter. Criteria: Invitae Variant Classification Sherloc (09022015). Collection method: clinical testing. Allele origin: germline.
Comment: This sequence change replaces leucine with proline at codon 746 of the RINT1 protein (p.Leu746Pro). The leucine residue is highly conserved and there is a moderate physicochemical difference between leucine and proline. In summary, the available evidence is currently insufficient to determine the role of this variant in disease. Therefore, it has been classified as a Variant of Uncertain Significance. Algorithms developed to predict the effect of missense changes on protein structure and function do not agree on the potential impact of this missense change (SIFT: "Deleterious"; PolyPhen-2: "Probably Damaging"; Align-GVGD: "Class C0"). This variant has not been reported in the literature in individuals with RINT1-related disease. This variant is not present in population databases (ExAC no frequency).